The following is an entry in ClinVar:

ClinVar aggregate classification (germline): Uncertain significance (1 of 4 stars; one submission).

Submission:

Labcorp Genetics (formerly Invitae), Labcorp
Classification: Uncertain significance. Last evaluated: 2023-04-17. Review status: criteria provided, single submitter. Criteria: Invitae Variant Classification Sherloc (09022015). Collection method: clinical testing. Allele origin: germline.
Comment: This sequence change replaces leucine, which is neutral and non-polar, with arginine, which is basic and polar, at codon 634 of the DSCAML1 protein (p.Leu634Arg). This variant is not present in population databases (gnomAD no frequency). This variant has not been reported in the literature in individuals affected with DSCAML1-related conditions. An algorithm developed to predict the effect of missense changes on protein structure and function (PolyPhen-2) suggests that this variant is likely to be tolerated. In summary, the available evidence is currently insufficient to determine the role of this variant in disease. Therefore, it has been classified as a Variant of Uncertain Significance.

NM_020693.4(DSCAML1):c.1721T>G (p.Leu574Arg)

Gene: DSCAML1 (DS cell adhesion molecule like 1; minus strand). Cytogenetic location: 11q23.3.
Variant type: single nucleotide variant.
Coding change: c.1721T>G on transcript NM_020693.4 (MANE Select); coding-DNA position 1721, T replaced by G.
Protein change: p.Leu574Arg; replaces leucine 574 with arginine.
Molecular consequence: missense variant.
Genome position (GRCh38, 1-based): chr11:117,516,529, A>C on the plus strand (T>G on the coding strand, the complement: DSCAML1 is on the minus strand). VCF-style: chr11-117516529-A-C. GRCh37 (hg19) VCF-style: chr11-117387244-A-C.
Other names: c.1721T>G, p.Leu574Arg (NM_001367904.1); short protein forms L574R.
Identifiers: ClinVar variation 2856881 (VCV002856881.3), dbSNP rs2543259049, ClinGen allele CA382743708.